The following is an entry in ClinVar:

ClinVar aggregate classification (germline): Uncertain significance (1 of 4 stars; one submission).

Conditions:
Cardiovascular phenotype. Identifiers: MedGen CN230736.

Submission:

Ambry Genetics
Classification: Uncertain significance for Cardiovascular phenotype. Last evaluated: 2018-11-09. Review status: criteria provided, single submitter. Criteria: Ambry Variant Classification Scheme 2023. Collection method: clinical testing. Allele origin: germline.
Comment: The p.S44C variant (also known as c.130A>T), located in coding exon 1 of the HCN4 gene, results from an A to T substitution at nucleotide position 130. The serine at codon 44 is replaced by cysteine, an amino acid with dissimilar properties. This amino acid position is not well conserved in available vertebrate species. In addition, this alteration is predicted to be tolerated by in silico analysis. Since supporting evidence is limited at this time, the clinical significance of this alteration remains unclear.

NM_005477.3(HCN4):c.130A>T (p.Ser44Cys)

Gene: HCN4 (hyperpolarization activated cyclic nucleotide gated potassium channel 4; minus strand). Cytogenetic location: 15q24.1.
Variant type: single nucleotide variant.
Coding change: c.130A>T on transcript NM_005477.3 (MANE Select); coding-DNA position 130, A replaced by T.
Protein change: p.Ser44Cys; replaces serine 44 with cysteine.
Molecular consequence: missense variant.
Genome position (GRCh38, 1-based): chr15:73,368,141, T>A on the plus strand (A>T on the coding strand, the complement: HCN4 is on the minus strand). VCF-style: chr15-73368141-T-A. GRCh37 (hg19) VCF-style: chr15-73660482-T-A.
Other names: short protein forms S44C.
Identifiers: ClinVar variation 1769609 (VCV001769609.2), dbSNP rs2043138506, ClinGen allele CA393098933.